The following is an entry in ClinVar:

ClinVar aggregate classification (germline): Uncertain significance (1 of 4 stars; one submission).

Submission:

CeGaT Center for Human Genetics Tuebingen
Classification: Uncertain significance. Last evaluated: 2025-12-01. Review status: criteria provided, single submitter. Criteria: CeGaT Center For Human Genetics Tuebingen Variant Classification Criteria Version 2. Collection method: clinical testing. Allele origin: germline. Affected: yes. Observed: 1 variant allele.
Comment: APC: PM2, BP1

NM_000038.6(APC):c.1841C>T (p.Ala614Val)

Gene: APC (APC regulator of Wnt signaling pathway; plus strand). Cytogenetic location: 5q22.2.
Variant type: single nucleotide variant.
Coding change: c.1841C>T on transcript NM_000038.6 (MANE Select); coding-DNA position 1841, C replaced by T.
Protein change: p.Ala614Val; replaces alanine 614 with valine.
Molecular consequence: missense variant. On other transcripts: non-coding transcript variant (2).
Genome position (GRCh38, 1-based): chr5:112,835,048, C>T. VCF-style: chr5-112835048-C-T. GRCh37 (hg19) VCF-style: chr5-112170745-C-T.
Other names: c.1664C>T, p.Ala555Val (NM_001407453.1, NM_001354901.2); c.1592C>T, p.Ala531Val (NM_001407454.1, NM_001407455.1, NM_001407456.1 and 1 more transcripts); c.1538C>T, p.Ala513Val (NM_001407458.1, NM_001407459.1, NM_001407460.1 and 1 more transcripts); c.1454C>T, p.Ala485Val (NM_001407467.1, NM_001407469.1); c.1841C>T, p.Ala614Val (NM_001127510.3, NM_001354895.2, NM_001407450.1); c.1787C>T, p.Ala596Val (NM_001127511.3); c.1895C>T, p.Ala632Val (NM_001354896.2, NM_001407447.1, NM_001407448.1 and 1 more transcripts); c.1871C>T, p.Ala624Val (NM_001354897.2); and 11 more; short protein forms A513V, A523V, A531V, A555V, A573V, A586V, A589V, A596V.
Identifiers: ClinVar variation 4681941 (VCV004681941.5).